The following is an entry in ClinVar:

NM_000481.4(AMT):c.215C>A (p.Thr72Lys)

Gene: AMT (aminomethyltransferase; minus strand). Cytogenetic location: 3p21.31.
Variant type: single nucleotide variant.
Coding change: c.215C>A on transcript NM_000481.4 (MANE Select); coding-DNA position 215, C replaced by A.
Protein change: p.Thr72Lys; replaces threonine 72 with lysine.
Molecular consequence: missense variant. On other transcripts: non-coding transcript variant (1), intron variant (1).
Genome position (GRCh38, 1-based): chr3:49,422,147, G>T on the plus strand (C>A on the coding strand, the complement: AMT is on the minus strand). VCF-style: chr3-49422147-G-T. GRCh37 (hg19) VCF-style: chr3-49459580-G-T.
Other names: p.(Thr72Lys); c.215C>A, p.Thr72Lys (NM_001164712.2, NM_001164710.2); c.90+214C>A (NM_001164711.2); short protein forms T72K.
Identifiers: ClinVar variation 4974542 (VCV004974542.1).
Genomic context (GRCh38, chr3:49,422,147, plus strand): 5'-GTGCTCCCCTGGCTCACCTGCAGCATATGAGACACGTCAAAGAGCGAGCAGTGCTGGCGT[G>T]TGTGCAGGTGCGAGTCAGTGTGACTGTCCCGGTACTGCACTGGCAGACTCCAACCCGCAA-3'
Protein context (NP_000472.2, residues 62-82): RDSHTDSHLH[Thr72Lys]RQHCSLFDVS

ClinVar aggregate classification (germline): Uncertain significance (1 of 4 stars; one submission).

Conditions:
Glycine encephalopathy 1 (GCE1). Identifiers: MedGen CN376801, MONDO:0958179, OMIM 605899.

Submission:

Department of Paediatrics, KS Hegde Medical Academy (KSHEMA), NITTE (Deemed to Be University)
Classification: Uncertain significance for Glycine encephalopathy 1. Last evaluated: 2024-06-01. Review status: criteria provided, single submitter. Criteria: ACMG Guidelines, 2015. Collection method: provider interpretation. Allele origin: germline. Inheritance: Autosomal recessive inheritance. Affected: yes. Observed: 1 variant allele, 1 homozygote.
Comment: Urinary glycine was elevated; however, quantitative paired plasma and CSF glycine measurements were unavailable, and the biochemical evaluation was inconclusive. Parental segregation and functional studies were not performed. The available clinical, biochemical and molecular evidence is insufficient to establish pathogenicity, and the variant remains classified as a variant of uncertain significance.